The following is an entry in ClinVar:

ClinVar aggregate classification (germline): Uncertain significance (1 of 4 stars; one submission).

Conditions:
Hypertrophic cardiomyopathy 14. Identifiers: MedGen C2750467, MONDO:0013197, OMIM 613251.

Submission:

Labcorp Genetics (formerly Invitae), Labcorp
Classification: Uncertain significance for Hypertrophic cardiomyopathy 14. Last evaluated: 2025-07-08. Review status: criteria provided, single submitter. Criteria: Invitae Variant Classification Sherloc (09022015). Collection method: clinical testing. Allele origin: germline.
Comment: This sequence change replaces glycine, which is neutral and non-polar, with glutamic acid, which is acidic and polar, at codon 415 of the MYH6 protein (p.Gly415Glu). This variant is not present in population databases (gnomAD no frequency). This variant has not been reported in the literature in individuals affected with MYH6-related conditions. Invitae Evidence Modeling of protein sequence and biophysical properties (such as structural, functional, and spatial information, amino acid conservation, physicochemical variation, residue mobility, and thermodynamic stability) indicates that this missense variant is expected to disrupt MYH6 protein function with a positive predictive value of 80%. In summary, the available evidence is currently insufficient to determine the role of this variant in disease. Therefore, it has been classified as a Variant of Uncertain Significance.

NM_002471.4(MYH6):c.1244G>A (p.Gly415Glu)

Gene: MYH6 (myosin heavy chain 6; minus strand). Cytogenetic location: 14q11.2.
Variant type: single nucleotide variant.
Coding change: c.1244G>A on transcript NM_002471.4 (MANE Select); coding-DNA position 1244, G replaced by A.
Protein change: p.Gly415Glu; replaces glycine 415 with glutamic acid.
Molecular consequence: missense variant.
Genome position (GRCh38, 1-based): chr14:23,400,875, C>T on the plus strand (G>A on the coding strand, the complement: MYH6 is on the minus strand). VCF-style: chr14-23400875-C-T. GRCh37 (hg19) VCF-style: chr14-23870084-C-T.
Other names: short protein forms G415E.
Identifiers: ClinVar variation 4743959 (VCV004743959.1).